The following is an entry in ClinVar:

NM_001114753.3(ENG):c.1585C>T (p.Arg529Cys)

Genes: ENG (endoglin; minus strand), LOC102723566 (uncharacterized LOC102723566; plus strand). Cytogenetic location: 9q34.11.
Variant type: single nucleotide variant.
Coding change: c.1585C>T on transcript NM_001114753.3 (MANE Select); coding-DNA position 1585, C replaced by T.
Protein change: p.Arg529Cys; replaces arginine 529 with cysteine.
Molecular consequence: missense variant.
Genome position (GRCh38, 1-based): chr9:127,818,221, G>A on the plus strand (C>T on the coding strand, the complement: ENG is on the minus strand). VCF-style: chr9-127818221-G-A. GRCh37 (hg19) VCF-style: chr9-130580500-G-A.
Other names: p.Arg529Cys; c.1585C>T, p.Arg529Cys (NM_000118.4); c.1039C>T, p.Arg347Cys (NM_001278138.2); c.1585C>T (NM_000118.2); short protein forms R529C, R347C.
Identifiers: ClinVar variation 583144 (VCV000583144.30), dbSNP rs745316066, ClinGen allele CA5252722.

ClinVar aggregate classification (germline): Conflicting classifications of pathogenicity. Review status: criteria provided, conflicting classifications (1 of 4 stars). 7 submissions from 7 submitters: Pathogenic (1); Uncertain significance (6). Last evaluated 2025-12-30.

Conditions:
Cardiovascular phenotype. Identifiers: MedGen CN230736.
Telangiectasia, hereditary hemorrhagic, type 1 (HHT1). Also called: Osler Weber Rendu syndrome type 1; ENG-Related Hereditary Hemorrhagic Telangiectasia. Identifiers: Orphanet 774, MedGen C4551861, MONDO:0008535, OMIM 187300. Disease mechanism: loss of function.
Hereditary hemorrhagic telangiectasia (HHT). Also called: ORW DISEASE; Osler Weber Rendu syndrome; OSLER-RENDU-WEBER DISEASE; Osler hemorrhagic telangiectasia syndrome. Identifiers: Orphanet 774, MedGen C0039445, MONDO:0019180. Disease mechanism: loss of function.

Allele frequency attached by ClinVar (database versions not stated): ExAC 0.00002; TOPMed below 0.00001; gnomAD 0.00001; gnomAD exomes 0.00001.
gnomAD v4.1: 10 of 1,614,078 alleles (0.00062%); highest among the groups gnomAD compares: South Asian, 0.0011%; no homozygotes.

Submissions (7):

Labcorp Genetics (formerly Invitae), Labcorp
Classification: Pathogenic for Hereditary hemorrhagic telangiectasia. Last evaluated: 2025-12-30. Review status: criteria provided, single submitter. Criteria: Invitae Variant Classification Sherloc (09022015). Collection method: clinical testing. Allele origin: germline.
Comment: This sequence change replaces arginine, which is basic and polar, with cysteine, which is neutral and slightly polar, at codon 529 of the ENG protein (p.Arg529Cys). This variant is present in population databases (rs745316066, gnomAD 0.003%). This missense change has been observed in individuals with clinical features of hereditary hemorrhagic telangiectasia (PMID: 21158752; internal data). ClinVar contains an entry for this variant (Variation ID: 583144). Invitae Evidence Modeling of protein sequence and biophysical properties (such as structural, functional, and spatial information, amino acid conservation, physicochemical variation, residue mobility, and thermodynamic stability) indicates that this missense variant is expected to disrupt ENG protein function with a positive predictive value of 95%. Experimental studies have shown that this missense change affects ENG function (PMID: 25312062). This variant disrupts the p.Arg529 amino acid residue in ENG. Other variant(s) that disrupt this residue have been determined to be pathogenic (PMID: 16752392, 17384219, 18495117, 22991266). This suggests that this residue is clinically significant, and that variants that disrupt this residue are likely to be disease-causing. For these reasons, this variant has been classified as Pathogenic.

Dasa
Classification: Uncertain significance for Telangiectasia, hereditary hemorrhagic, type 1. Last evaluated: 2025-12-04. Review status: criteria provided, single submitter. Criteria: DASA Assertion Criteria. Collection method: clinical testing. Allele origin: germline.
Comment: NM_001114753.3(ENG):c.1585C>T (p.Arg529Cys) is a missense variant that results in the substitution of arginine with cysteine. The affected residue or protein region has prior evidence supporting clinical relevance. This variant has been recurrently observed in individuals with ENG-related disorders (PMID: 21158752; PMID: 36973604; PMID: 31727138; PMID: 25312062). Functional evidence supports an impact on the gene or gene product (PMID: 25312062). Also, this variant is rare in population databases. The currently available literature and clinical evidence are not sufficient to establish a definitive association between this variant and the reported condition. Therefore, this variant is classified as a variant of uncertain significance.

Ambry Genetics
Classification: Uncertain significance for Cardiovascular phenotype. Last evaluated: 2025-09-04. Review status: criteria provided, single submitter. Criteria: Ambry Variant Classification Scheme 2023. Collection method: clinical testing. Allele origin: germline.
Comment: The p.R529C variant (also known as c.1585C>T), located in coding exon 12 of the ENG gene, results from a C to T substitution at nucleotide position 1585. The arginine at codon 529 is replaced by cysteine, an amino acid with highly dissimilar properties. In one study, this variant was detected in an individual with multiple pulmonary arteriovenous malformations and epistaxis who also carried a single exon deletion in the ACVRL1 gene (McDonald J et al. Clin. Genet., 2011 Apr;79:335-44). This variant has also been detected in a pulmonary arterial hypertension cohort (Zhu N et al. Genome Med. 2019 11;11(1):69). In a functional study, the protein with this alteration showed approximately 60% surface expression level compared to wild type and approximately 70% of the BMP9-induced luciferase activity; however, the authors comment that the reduced BMP9 response could be the result of the reduced ENG expression in the in vitro system rather than activity changes (Mallet C et al. Hum. Mol. Genet., 2015 Feb;24:1142-54). A disease-causing mutation at the same codon, p.R529H (c.1586G>A), has been described in individuals meeting clinical diagnostic criteria for hereditary hemorrhagic telangiectasia (Bossler AD et al. Hum. Mutat., 2006 Jul;27:667-75). This amino acid position is well conserved in available vertebrate species. In addition, the in silico prediction for this alteration is inconclusive. Since supporting evidence is limited at this time, the clinical significance of this alteration remains unclear.

Mayo Clinic Laboratories, Mayo Clinic
Classification: Uncertain significance. Last evaluated: 2025-04-28. Review status: criteria provided, single submitter. Criteria: ACMG Guidelines, 2015. Collection method: clinical testing. Allele origin: germline. Observed: 2 variant alleles.
Comment: PP4, PM2_supporting, PM5, PS3_supporting

GeneDx
Classification: Uncertain significance. Last evaluated: 2021-08-30. Review status: criteria provided, single submitter. Criteria: GeneDx Variant Classification Process June 2021. Collection method: clinical testing. Allele origin: germline. Affected: yes.
Comment: Identified in patients with features of hereditary hemorrhagic telangiectasia (HHT), including one patient who harbored another potentially disease-causing variant in the ACVRL1 gene (McDonald et al., 2011; Mallet et al., 2015); Not observed at significant frequency in large population cohorts (gnomAD); Published functional studies suggest a damaging effect as this variant may have an impact on cell surface localization (Mallet et al., 2015); In silico analysis supports that this missense variant has a deleterious effect on protein structure/function; Reported in ClinVar as a variant of uncertain significance (ClinVar Variant ID# 583144; ClinVar); This variant is associated with the following publications: (PMID: 28564608, 30763665, 31727138, 25312062, 21158752)

Genetic Services Laboratory, University of Chicago
Classification: Uncertain significance. Last evaluated: 2020-09-14. Review status: criteria provided, single submitter. Criteria: ACMG Guidelines, 2015. Collection method: clinical testing. Allele origin: germline. Affected: no.
Comment: DNA sequence analysis of the ENG gene demonstrated a sequence change, c.1585C>T, in exon 12 that results in an amino acid change, p.Arg529Cys. This sequence change has been previously described in an individual with multiple pulmonary arteriovenous malformation (AVMs) and epistaxis in conjunction with an exon 4 deletion in the ACVRL1 gene (PMID: 21158752). Family members were unavailable for clinical evaluation or co-segregation study. This variant showed partial cellular surface localization, induced partial BMP9 binding and partial BMP9 response (~ 60% of the wildtype) (PMID: 25312062). This sequence change has been described in three heterozygous individuals in the gnomAD database which corresponds to the overall low population frequency of 0.0011% (dbSNP rs745316066). The p.Arg529Cys change affects a highly conserved amino acid residue located in a domain of the ENG protein that is known to be functional. The p.Arg529Cys substitution appears to be deleterious using several in-silico pathogenicity prediction tools (SIFT, PolyPhen2, Align GVGD, REVEL). Due to these evidences and the lack of functional studies, the clinical significance of the p.Arg529Cys change remains unknown at this time.

ARUP Laboratories, Molecular Genetics and Genomics, ARUP Laboratories
Classification: Uncertain significance for Telangiectasia, hereditary hemorrhagic, type 1. Last evaluated: 2018-12-10. Review status: criteria provided, single submitter. Criteria: ARUP Molecular Germline Variant Investigation Process. Collection method: clinical testing. Allele origin: germline.
Comment: The ENG c.1585C>T; p.Arg529Cys variant (rs745316066), is reported in individuals with suspected HHT (Mallet 2015, McDonald 2011), and is reported in ClinVar (Variation ID: 583144). However, in one individual, the deletion of ACVRL1 exon 4 was also identified by multiplex ligation-dependent probe amplification (MLPA) (McDonald 2011). Functional analyses of the p.Arg529Cys variant protein shows partially impaired BMP9 binding and response, as well as partially impaired localization (Mallet 2015). Furthermore, a different variant at this codon, p.Arg529His, is reported in the literature in individuals with symptoms of HHT (Bossler 2006, Gedge 2007, Nishida 2012). The p.Arg529Cys variant is found in the general population with a low allele frequency of 0.001% (3/282678 alleles) in the Genome Aggregation Database. The arginine at codon 529 is highly conserved and computational analyses (SIFT, PolyPhen-2) predict that this variant is deleterious. Due to limited information, the clinical significance of the p.Arg529Cys variant is uncertain at this time. REFERENCES Bossler AD et al. Novel mutations in ENG and ACVRL1 identified in a series of 200 individuals undergoing clinical genetic testing for hereditary hemorrhagic telangiectasia (HHT): correlation of genotype with phenotype. Hum Mutat. 2006 27(7):667-75. Gedge F et al. Clinical and analytical sensitivities in hereditary hemorrhagic telangiectasia testing and a report of de novo mutations. J Mol Diagn.2007 9(2):258-65. Mallet C et al. Functional analysis of endoglin mutations from hereditary hemorrhagic telangiectasia type 1 patients reveals different mechanisms for endoglin loss of function. Hum Mol Genet. 2015 Feb 15;24(4):1142-54. McDonald J et al. Molecular diagnosis in hereditary hemorrhagic telangiectasia: findings in a series tested simultaneously by sequencing and deletion/duplication analysis. Clin Genet. 2011 Apr;79(4):335-44. Nishida T et al. Brain arteriovenous malformations associated with hereditary hemorrhagic telangiectasia: gene-phenotype correlations. Am J Med Genet A. 2012 158A(11):2829-34.

Literature cited by the submitters: PubMed 21158752 (cited by 4 submitters); PubMed 25312062 (cited by 4 submitters); PubMed 16752392 (cited by Labcorp Genetics (formerly Invitae), Labcorp and Ambry Genetics); PubMed 17384219 (cited by Labcorp Genetics (formerly Invitae), Labcorp); PubMed 18495117 (cited by Labcorp Genetics (formerly Invitae), Labcorp); PubMed 22991266 (cited by Labcorp Genetics (formerly Invitae), Labcorp); PubMed 36973604 (cited by Dasa); PubMed 31727138 (cited by 3 submitters); PubMed 37390610 (cited by Dasa); PubMed 28775059 (cited by Dasa); PubMed 28564608 (cited by Ambry Genetics).